The following is an entry in ClinVar:

NM_005751.5(AKAP9):c.6612+319AT[2]

Gene: AKAP9 (A-kinase anchoring protein 9; plus strand). Cytogenetic location: 7q21.2.
Variant type: Microsatellite.
Coding change: c.6612+319AT[2] on transcript NM_005751.5 (MANE Select); two copies in a row of the 2-base unit AT starting at c.6612+319; the reference has three copies in a row; one copy, 2 bases deleted.
Molecular consequence: intron variant.
Genome position (GRCh38, 1-based): chr7:92,071,332-92,071,333, AT deleted; deleting any 2 consecutive bases within chr7:92,071,328-92,071,333 gives the same sequence; the position shown is the placement nearest the transcript's 3' end. VCF-style (leftmost placement, unchanged base first): chr7-92071327-AAT-A. GRCh37 (hg19) VCF-style: chr7-91700641-AAT-A.
Other names: c.6588+319AT[2] (NM_147185.3); c.1257+319AT[2] (NM_001379277.1).
Identifiers: ClinVar variation 669434 (VCV000669434.1), dbSNP rs61225847, ClinGen allele CA161918603.

ClinVar aggregate classification (germline): Benign (1 of 4 stars; one submission).

Submission:

GeneDx
Classification: Benign. Last evaluated: 2018-06-14. Review status: criteria provided, single submitter. Criteria: GeneDx Variant Classification (06012015). Collection method: clinical testing. Allele origin: germline. Affected: yes.
Comment: This variant is considered likely benign or benign based on one or more of the following criteria: it is a conservative change, it occurs at a poorly conserved position in the protein, it is predicted to be benign by multiple in silico algorithms, and/or has population frequency not consistent with disease.